The following is an entry in ClinVar:

ClinVar aggregate classification (germline): Uncertain significance (1 of 4 stars; one submission).

Conditions:
Neuroblastoma, susceptibility to, 3. Also called: ALK-Related Neuroblastic Tumor Susceptibility. Identifiers: Orphanet 635, MedGen C2751681, MONDO:0013083, OMIM 613014.

Submission:

Labcorp Genetics (formerly Invitae), Labcorp
Classification: Uncertain significance for Neuroblastoma, susceptibility to, 3. Last evaluated: 2024-06-04. Review status: criteria provided, single submitter. Criteria: Invitae Variant Classification Sherloc (09022015). Collection method: clinical testing. Allele origin: germline.
Comment: This sequence change replaces serine, which is neutral and polar, with phenylalanine, which is neutral and non-polar, at codon 1495 of the ALK protein (p.Ser1495Phe). This variant is not present in population databases (gnomAD no frequency). This variant has not been reported in the literature in individuals affected with ALK-related conditions. An algorithm developed to predict the effect of missense changes on protein structure and function (PolyPhen-2) suggests that this variant is likely to be disruptive. In summary, the available evidence is currently insufficient to determine the role of this variant in disease. Therefore, it has been classified as a Variant of Uncertain Significance.

NM_004304.5(ALK):c.4484C>T (p.Ser1495Phe)

Gene: ALK (ALK receptor tyrosine kinase; minus strand). Cytogenetic location: 2p23.2.
Variant type: single nucleotide variant.
Coding change: c.4484C>T on transcript NM_004304.5 (MANE Select); coding-DNA position 4484, C replaced by T.
Protein change: p.Ser1495Phe; replaces serine 1495 with phenylalanine.
Molecular consequence: missense variant.
Genome position (GRCh38, 1-based): chr2:29,193,603, G>A on the plus strand (C>T on the coding strand, the complement: ALK is on the minus strand). VCF-style: chr2-29193603-G-A. GRCh37 (hg19) VCF-style: chr2-29416469-G-A.
Other names: c.1280C>T, p.Ser427Phe (NM_001353765.2); short protein forms S1495F, S427F.
Identifiers: ClinVar variation 3655470 (VCV003655470.2).